The following is an entry in ClinVar:

ClinVar aggregate classification (germline): Likely pathogenic. Review status: criteria provided, multiple submitters, no conflicts (2 of 4 stars). 2 submissions from 2 submitters: Likely pathogenic (2). Last evaluated 2023-08-29.

Conditions:
Autosomal recessive nonsyndromic hearing loss 18A. Also called: Deafness, autosomal recessive 18A; DEAFNESS, AUTOSOMAL RECESSIVE 18. Identifiers: Orphanet 90636, MedGen C1865870, MONDO:0011192, OMIM 602092.

Submissions (2):

Baylor Genetics
Classification: Likely pathogenic for Autosomal recessive nonsyndromic hearing loss 18A. Last evaluated: 2023-08-29. Review status: criteria provided, single submitter. Criteria: ACMG Guidelines, 2015. Collection method: clinical testing. Allele origin: unknown.

Labcorp Genetics (formerly Invitae), Labcorp
Classification: Likely pathogenic. Last evaluated: 2023-02-24. Review status: criteria provided, single submitter. Criteria: Invitae Variant Classification Sherloc (09022015). Collection method: clinical testing. Allele origin: germline.
Comment: In summary, the currently available evidence indicates that the variant is pathogenic, but additional data are needed to prove that conclusively. Therefore, this variant has been classified as Likely Pathogenic. Algorithms developed to predict the effect of sequence changes on RNA splicing suggest that this variant may disrupt the consensus splice site. This variant has not been reported in the literature in individuals affected with USH1C-related conditions. This variant is not present in population databases (gnomAD no frequency). This sequence change affects an acceptor splice site in intron 15 of the USH1C gene. It is expected to disrupt RNA splicing. Variants that disrupt the donor or acceptor splice site typically lead to a loss of protein function (PMID: 16199547), and loss-of-function variants in USH1C are known to be pathogenic (PMID: 10973247, 17407589, 20301442, 21203349).

Literature cited by the submitters: PubMed 16199547 (cited by Labcorp Genetics (formerly Invitae), Labcorp); PubMed 10973247 (cited by Labcorp Genetics (formerly Invitae), Labcorp); PubMed 17407589 (cited by Labcorp Genetics (formerly Invitae), Labcorp); PubMed 20301442 (cited by Labcorp Genetics (formerly Invitae), Labcorp); PubMed 21203349 (cited by Labcorp Genetics (formerly Invitae), Labcorp).

NM_153676.4(USH1C):c.2185-1G>A

Gene: USH1C (USH1 protein network component harmonin; minus strand). Cytogenetic location: 11p15.1.
Variant type: single nucleotide variant.
Coding change: c.2185-1G>A on transcript NM_153676.4 (MANE Select); the canonical splice acceptor site of the intron before coding-DNA position 2185, G replaced by A.
Molecular consequence: splice acceptor variant.
Genome position (GRCh38, 1-based): chr11:17,501,981, C>T on the plus strand (G>A on the coding strand, the complement: USH1C is on the minus strand). VCF-style: chr11-17501981-C-T. GRCh37 (hg19) VCF-style: chr11-17523528-C-T.
Other names: c.1228-1G>A (NM_001297764.2); c.1285-1G>A (NM_005709.4).
Identifiers: ClinVar variation 2679418 (VCV002679418.4), dbSNP rs746871920, ClinGen allele CA379804152.